The following is an entry in ClinVar:

ClinVar aggregate classification (germline): Uncertain significance (1 of 4 stars; one submission).

Conditions:
Inborn genetic diseases. Identifiers: MedGen C0950123, MeSH D030342.

Submission:

Ambry Genetics
Classification: Uncertain significance for Inborn genetic diseases. Last evaluated: 2024-08-17. Review status: criteria provided, single submitter. Criteria: Ambry Variant Classification Scheme 2023. Collection method: clinical testing. Allele origin: germline.
Comment: The p.R53G variant (also known as c.157C>G), located in coding exon 1 of the ACD gene, results from a C to G substitution at nucleotide position 157. The arginine at codon 53 is replaced by glycine, an amino acid with dissimilar properties. This amino acid position is conserved. In addition, this alteration is predicted to be tolerated by in silico analysis. Based on the available evidence, the clinical significance of this variant remains unclear.

NM_001082486.1(ACD):c.157C>G (p.Arg53Gly)

Gene: ACD (ACD shelterin complex subunit and telomerase recruitment factor; minus strand). Cytogenetic location: 16q22.1.
Variant type: single nucleotide variant.
Coding change: c.157C>G on transcript NM_001082486.1; coding-DNA position 157, C replaced by G.
Protein change: p.Arg53Gly; replaces arginine 53 with glycine.
Genome position (GRCh38, 1-based): chr16:67,660,322, G>C on the plus strand (C>G on the coding strand, the complement: ACD is on the minus strand). VCF-style: chr16-67660322-G-C. GRCh37 (hg19) VCF-style: chr16-67694225-G-C.
Other names: short protein forms R53G.
Identifiers: ClinVar variation 3480161 (VCV003480161.1).